The following is an entry in ClinVar:

ClinVar aggregate classification (germline): Uncertain significance (1 of 4 stars; one submission).

Conditions:
Cardiovascular phenotype. Identifiers: MedGen CN230736.

Allele frequency attached by ClinVar (database versions not stated): ExAC 0.00001; gnomAD 0.00001.

Submission:

Ambry Genetics
Classification: Uncertain significance for Cardiovascular phenotype. Last evaluated: 2023-05-17. Review status: criteria provided, single submitter. Criteria: Ambry Variant Classification Scheme 2023. Collection method: clinical testing. Allele origin: germline.
Comment: The p.E3696Q variant (also known as c.11086G>C), located in coding exon 42 of the ANK2 gene, results from a G to C substitution at nucleotide position 11086. The glutamic acid at codon 3696 is replaced by glutamine, an amino acid with highly similar properties. This amino acid position is well conserved in available vertebrate species. In addition, the in silico prediction for this alteration is inconclusive. Since supporting evidence is limited at this time, the clinical significance of this alteration remains unclear.

NM_001148.6(ANK2):c.11086G>C (p.Glu3696Gln)

Gene: ANK2 (ankyrin 2; plus strand). Cytogenetic location: 4q26.
Variant type: single nucleotide variant.
Coding change: c.11086G>C on transcript NM_001148.6 (MANE Select); coding-DNA position 11086, G replaced by C.
Protein change: p.Glu3696Gln; replaces glutamic acid 3696 with glutamine.
Molecular consequence: missense variant.
Genome position (GRCh38, 1-based): chr4:113,367,619, G>C. VCF-style: chr4-113367619-G-C. GRCh37 (hg19) VCF-style: chr4-114288775-G-C.
Other names: c.4804G>C, p.Glu1602Gln (NM_001127493.3); c.4843G>C, p.Glu1615Gln (NM_001354225.2); c.4732G>C, p.Glu1578Gln (NM_001354228.2, NM_001354258.2); c.4810G>C, p.Glu1604Gln (NM_001354230.2); c.4873G>C, p.Glu1625Gln (NM_001354231.2, NM_001354242.2); c.4867G>C, p.Glu1623Gln (NM_001354232.2); c.4828G>C, p.Glu1610Gln (NM_001354235.2, NM_001354246.2, NM_001354265.2); c.4729G>C, p.Glu1577Gln (NM_001354236.2); and 35 more; short protein forms E1511Q, E1536Q, E1538Q, E1545Q, E1568Q, E1589Q, E1590Q, E1594Q.
Identifiers: ClinVar variation 2562076 (VCV002562076.2), dbSNP rs199473347, ClinGen allele CA3052228.
Genomic context (GRCh38, chr4:113,367,619, plus strand): 5'-CCTTTAGGGTTCTCGGTACTTCAAGAGGAGTTATGCACTGCACAGCACAAGCAGAAAGAG[G>C]AGCAAGCTGTTTCTAAAGAAAGTGAGACCTGCGATCACCCTCCTATCGTCTCAGAGGAAG-3'
Protein context (NP_001139.3, residues 3686-3706): LCTAQHKQKE[Glu3696Gln]QAVSKESETC